The following is an entry in ClinVar:

ClinVar aggregate classification (germline): Conflicting classifications of pathogenicity. Review status: criteria provided, conflicting classifications (1 of 4 stars). 2 submissions from 2 submitters: Uncertain significance (1); Likely benign (1). Last evaluated 2023-11-11.

Conditions:
Landau-Kleffner syndrome (FESD). Also called: EPILEPSY, FOCAL, WITH SPEECH DISORDER AND WITH OR WITHOUT MENTAL RETARDATION; APHASIA, ACQUIRED, WITH EPILEPSY. Identifiers: Orphanet 1945, Orphanet 725, Orphanet 98818, MedGen C0282512, MONDO:0009509, OMIM 245570.

Allele frequency attached by ClinVar (database versions not stated): gnomAD exomes below 0.00001 and 0.00004; TOPMed 0.00001; gnomAD 0.00001; ExAC 0.00002.
gnomAD v4.1: 55 of 1,614,102 alleles (0.0034%); highest among the groups gnomAD compares: Non-Finnish European, 0.0046%; no homozygotes.

Submissions (2):

GeneDx
Classification: Uncertain significance. Last evaluated: 2023-11-11. Review status: criteria provided, single submitter. Criteria: GeneDx Variant Classification Process June 2021. Collection method: clinical testing. Allele origin: germline. Affected: yes.
Comment: Not observed at significant frequency in large population cohorts (gnomAD); In silico analysis supports that this missense variant has a deleterious effect on protein structure/function; Has not been previously published as pathogenic or benign to our knowledge

Labcorp Genetics (formerly Invitae), Labcorp
Classification: Likely benign for Landau-Kleffner syndrome. Last evaluated: 2022-08-21. Review status: criteria provided, single submitter. Criteria: Invitae Variant Classification Sherloc (09022015). Collection method: clinical testing. Allele origin: germline.

NM_001134407.3(GRIN2A):c.2780G>C (p.Arg927Thr)

Gene: GRIN2A (glutamate ionotropic receptor NMDA type subunit 2A; minus strand). Cytogenetic location: 16p13.2.
Variant type: single nucleotide variant.
Coding change: c.2780G>C on transcript NM_001134407.3 (MANE Select); coding-DNA position 2780, G replaced by C.
Protein change: p.Arg927Thr; replaces arginine 927 with threonine.
Molecular consequence: missense variant.
Genome position (GRCh38, 1-based): chr16:9,764,764, C>G on the plus strand (G>C on the coding strand, the complement: GRIN2A is on the minus strand). VCF-style: chr16-9764764-C-G. GRCh37 (hg19) VCF-style: chr16-9858621-C-G.
Other names: c.2780G>C, p.Arg927Thr (NM_000833.5, NM_001134408.2); c.2780G>C (NM_000833.3); short protein forms R927T.
Identifiers: ClinVar variation 1085596 (VCV001085596.10), dbSNP rs752992319, ClinGen allele CA7896424.